The following is an entry in ClinVar:

NM_000092.5(COL4A4):c.2969-50A>G

Gene: COL4A4 (collagen type IV alpha 4 chain; minus strand). Cytogenetic location: 2q36.3.
Variant type: single nucleotide variant.
Coding change: c.2969-50A>G on transcript NM_000092.5 (MANE Select); 50 bases into the intron before coding-DNA position 2969, A replaced by G.
Molecular consequence: intron variant.
Genome position (GRCh38, 1-based): chr2:227,051,208, T>C on the plus strand (A>G on the coding strand, the complement: COL4A4 is on the minus strand). VCF-style: chr2-227051208-T-C. GRCh37 (hg19) VCF-style: chr2-227915924-T-C.
Identifiers: ClinVar variation 682773 (VCV000682773.5), dbSNP rs2272205, ClinGen allele CA2144664.
Genomic context (GRCh38, chr2:227,051,208, plus strand): 5'-TCCTTTATCACCTGATGAAGTTGGAAGTGTTACAGGTCTCTGCTGAAATTTTGAGCTAGG[T>C]AATAGTTAAGCTGAGGGACCTGGTCCTACTTTTAGGAGATAAAGCCAAAGGTATTGAGGA-3'

ClinVar aggregate classification (germline): Benign. Review status: criteria provided, multiple submitters, no conflicts (2 of 4 stars). 3 submissions from 3 submitters: Benign (3). Last evaluated 2021-07-10.

Conditions:
Autosomal recessive Alport syndrome (ATS2). Also called: COL4A3-Related Nephropathy; Alport syndrome type 2; COL4A4 Alport Syndrome and Thin Basement Membrane Nephropathy; ALPORT SYNDROME 2, AUTOSOMAL RECESSIVE. Identifiers: Orphanet 63, Orphanet 88919, MedGen C4746745, MONDO:0008762, OMIM 203780.

Allele frequency attached by ClinVar (database versions not stated): gnomAD 0.07602 and 0.07999; TOPMed 0.07731; ESP Exome Variant Server 0.07982; gnomAD exomes 0.09059 and 0.09356; ExAC 0.09349; 1000 Genomes Project 0.10603; 1000 Genomes Project 30x 0.10603.
gnomAD v4.1: 147,090 of 1,593,442 alleles (9.2%); highest among the groups gnomAD compares: East Asian, 18%; 7,208 homozygotes.

Submissions (3):

Genome-Nilou Lab
Classification: Benign for Autosomal recessive Alport syndrome. Last evaluated: 2021-07-10. Review status: criteria provided, single submitter. Criteria: ACMG Guidelines, 2015. Collection method: clinical testing. Allele origin: germline. Affected: no.

GeneDx
Classification: Benign. Last evaluated: 2018-06-14. Review status: criteria provided, single submitter. Criteria: GeneDx Variant Classification (06012015). Collection method: clinical testing. Allele origin: germline. Affected: yes.
Comment: This variant is considered likely benign or benign based on one or more of the following criteria: it is a conservative change, it occurs at a poorly conserved position in the protein, it is predicted to be benign by multiple in silico algorithms, and/or has population frequency not consistent with disease.

Breakthrough Genomics
Classification: Benign. Review status: criteria provided, single submitter. Criteria: ACMG Guidelines, 2015. Collection method: not provided. Allele origin: germline. Inheritance: Autosomal recessive inheritance. Affected: yes.